The following is an entry in ClinVar:

ClinVar aggregate classification (germline): Conflicting classifications of pathogenicity. Review status: criteria provided, conflicting classifications (1 of 4 stars). 9 submissions from 9 submitters: Pathogenic (2); Likely pathogenic (5); Uncertain significance (1). 1 of the submissions does not count toward it. Last evaluated 2026-01-18.

Conditions:
Mucopolysaccharidosis, MPS-III-A (MPS3A). Also called: SANFILIPPO SYNDROME A; SULFAMIDASE DEFICIENCY; MPS III A; mucopolysaccharidosis type 3A; HEPARAN SULFATE SULFATASE DEFICIENCY; MPS IIIA (Sanfilippo Syndrome Type A). Identifiers: Orphanet 581, Orphanet 79269, MedGen C0086647, MONDO:0009655, OMIM 252900.

Allele frequency attached by ClinVar (database versions not stated): TOPMed 0.00006.
gnomAD v4.1: 23 of 1,607,838 alleles (0.0014%); highest among the groups gnomAD compares: African/African-American, 0.0027%; no homozygotes.

Submissions (9):

Labcorp Genetics (formerly Invitae), Labcorp
Classification: Likely pathogenic for Mucopolysaccharidosis, MPS-III-A. Last evaluated: 2026-01-18. Review status: criteria provided, single submitter. Criteria: Invitae Variant Classification Sherloc (09022015). Collection method: clinical testing. Allele origin: germline.
Comment: This sequence change replaces phenylalanine, which is neutral and non-polar, with leucine, which is neutral and non-polar, at codon 225 of the SGSH protein (p.Phe225Leu). This variant is present in population databases (rs34520362, gnomAD 0.01%). This missense change has been observed in individual(s) with mucopolysaccharidosis type III (PMID: 21204211). ClinVar contains an entry for this variant (Variation ID: 235357). Invitae Evidence Modeling of protein sequence and biophysical properties (such as structural, functional, and spatial information, amino acid conservation, physicochemical variation, residue mobility, and thermodynamic stability) indicates that this missense variant is expected to disrupt SGSH protein function with a positive predictive value of 95%. In summary, the currently available evidence indicates that the variant is pathogenic, but additional data are needed to prove that conclusively. Therefore, this variant has been classified as Likely Pathogenic.

Rady Children's Institute for Genomic Medicine, Rady Children's Hospital San Diego
Classification: Likely pathogenic for Mucopolysaccharidosis, type IIIA. Last evaluated: 2025-04-15. Review status: criteria provided, single submitter. Criteria: ACMG Guidelines, 2015. Collection method: clinical testing. Allele origin: germline. Affected: yes.
Comment: The c.675C>G (p.Phe225Leu) variant affects a highly conserved amino acid and is predicted by multiple in silico tools to have a deleterious effect on protein function. This variant has been previously reported as a compound heterozygous change in patients with mucopolysaccharidosis type III (PMID: 21204211, 34047372). The c.675C>G (p.Phe225Leu) variant is present in the latest version of the gnomAD population database at an allele frequency of 0.001% (23/1607838), and is absent in the homozygous state, thus is presumed to be rare. Based on the available evidence, c.675C>G (p.Phe225Leu) is classified as Likely Pathogenic.

GeneDx
Classification: Likely pathogenic. Last evaluated: 2025-03-05. Review status: criteria provided, single submitter. Criteria: GeneDx Variant Classification Process June 2021. Collection method: clinical testing. Allele origin: germline. Affected: yes.
Comment: Not observed at significant frequency in large population cohorts (gnomAD); In silico analysis supports that this missense variant has a deleterious effect on protein structure/function; This variant is associated with the following publications: (PMID: 25807448, Tornea2020[CaseReport], 35835061, 39041041, 21204211)

Natera, Inc.
Classification: Likely pathogenic for Mucopolysaccharidosis type IIIA. Last evaluated: 2024-11-13. Review status: criteria provided, single submitter. Criteria: Natera Variant Classification Schema (03/2026). Collection method: clinical testing. Allele origin: germline.
Comment: The c.675C>G variant in SGSH is a missense variant predicted to cause substitution of phenylalanine to leucine at amino acid 225. This variant is rare in the general population with a frequency below the threshold expected for the associated phenotype(s). This variant has been observed in one or more individuals affected with the associated recessive disease, as either homozygous or compound heterozygous with a second variant (PMID: 21204211, 34047372, 35835061). Computational prediction algorithms indicate this variant is likely to affect gene or protein function. Given the available evidence, this variant is classified as Likely Pathogenic.

Baylor Genetics
Classification: Pathogenic for Mucopolysaccharidosis, MPS-III-A. Last evaluated: 2023-11-20. Review status: criteria provided, single submitter. Criteria: ACMG Guidelines, 2015. Collection method: clinical testing. Allele origin: unknown.

Blueprint Genetics
Classification: Uncertain significance. Last evaluated: 2022-06-22. Review status: criteria provided, single submitter. Criteria: ACMG Guidelines, 2015. Collection method: clinical testing. Allele origin: germline.

Genome-Nilou Lab
Classification: Likely pathogenic for Mucopolysaccharidosis, MPS-III-A. Last evaluated: 2021-11-07. Review status: criteria provided, single submitter. Criteria: ACMG Guidelines, 2015. Collection method: clinical testing. Allele origin: germline. Affected: no.

Center for Pediatric Genomic Medicine, Children's Mercy Hospital and Clinics
Classification: Pathogenic. Last evaluated: 2015-11-24. Review status: criteria provided, single submitter. Criteria: ACMG Guidelines, 2015. Collection method: clinical testing. Allele origin: germline.

Counsyl
Classification: Uncertain significance for Mucopolysaccharidosis, MPS-III-A. Last evaluated: 2017-12-01. Review status: no assertion criteria provided. Collection method: clinical testing. Allele origin: unknown. Not counted in ClinVar's aggregate classification.

Literature cited by the submitters: PubMed 21204211 (cited by 4 submitters); PubMed 34047372 (cited by Rady Children's Institute for Genomic Medicine, Rady Children's Hospital San Diego and Natera, Inc.); PubMed 35835061 (cited by Natera, Inc.).

NM_000199.5(SGSH):c.675C>G (p.Phe225Leu)

Gene: SGSH (N-sulfoglucosamine sulfohydrolase; minus strand). Cytogenetic location: 17q25.3.
Variant type: single nucleotide variant.
Coding change: c.675C>G on transcript NM_000199.5 (MANE Select); coding-DNA position 675, C replaced by G.
Protein change: p.Phe225Leu; replaces phenylalanine 225 with leucine.
Molecular consequence: missense variant. On other transcripts: non-coding transcript variant (1).
Genome position (GRCh38, 1-based): chr17:80,213,874, G>C on the plus strand (C>G on the coding strand, the complement: SGSH is on the minus strand). VCF-style: chr17-80213874-G-C. GRCh37 (hg19) VCF-style: chr17-78187673-G-C.
Other names: c.675C>G, p.Phe225Leu (NM_001352921.3, NM_001352922.2); c.675C>G (NM_000199.4); short protein forms F225L.
Identifiers: ClinVar variation 235357 (VCV000235357.17), dbSNP rs34520362, ClinGen allele CA8817846.